The following is an entry in ClinVar:

ClinVar aggregate classification (germline): Uncertain significance. Review status: criteria provided, multiple submitters, no conflicts (2 of 4 stars). 2 submissions from 2 submitters: Uncertain significance (2). Last evaluated 2026-01-27.

Conditions:
Disseminated atypical mycobacterial infection. Identifiers: MedGen C0694566.
Immunodeficiency 27A (IMD27A). Also called: IMMUNODEFICIENCY 27A, MYCOBACTERIOSIS, AUTOSOMAL RECESSIVE; IFNGR1 DEFICIENCY, AUTOSOMAL RECESSIVE. Identifiers: Orphanet 319569, Orphanet 99898, MedGen C4011949, MONDO:0008856, OMIM 209950.

Allele frequency attached by ClinVar (database versions not stated): gnomAD exomes 0.00001 and 0.00005; ExAC 0.00003; gnomAD 0.00005; TOPMed 0.00006; ESP Exome Variant Server 0.00008.
gnomAD v4.1: 32 of 1,613,204 alleles (0.002%); highest among the groups gnomAD compares: Middle Eastern, 0.13%; no homozygotes.

Submissions (2):

Labcorp Genetics (formerly Invitae), Labcorp
Classification: Uncertain significance for Disseminated atypical mycobacterial infection. Last evaluated: 2026-01-27. Review status: criteria provided, single submitter. Criteria: Invitae Variant Classification Sherloc (09022015). Collection method: clinical testing. Allele origin: germline.
Comment: This sequence change replaces histidine, which is basic and polar, with tyrosine, which is neutral and polar, at codon 222 of the IFNGR1 protein (p.His222Tyr). This variant is present in population databases (rs148469894, gnomAD 0.009%). This variant has not been reported in the literature in individuals affected with IFNGR1-related conditions. ClinVar contains an entry for this variant (Variation ID: 661761). Invitae Evidence Modeling of protein sequence and biophysical properties (such as structural, functional, and spatial information, amino acid conservation, physicochemical variation, residue mobility, and thermodynamic stability) indicates that this missense variant is not expected to disrupt IFNGR1 protein function with a negative predictive value of 80%. Experimental studies are conflicting or provide insufficient evidence to determine the effect of this variant on IFNGR1 function (PMID: 26060819). In summary, the available evidence is currently insufficient to determine the role of this variant in disease. Therefore, it has been classified as a Variant of Uncertain Significance.

Illumina Laboratory Services, Illumina
Classification: Uncertain significance for Immunodeficiency 27A. Last evaluated: 2017-04-27. Review status: criteria provided, single submitter. Criteria: ICSL Variant Classification Criteria 13 December 2019. Collection method: clinical testing. Allele origin: germline.
Comment: This variant was observed as part of a predisposition screen in an ostensibly healthy population. A literature search was performed for the gene, cDNA change, and amino acid change (where applicable). Publications were found based on this search. However, the evidence from the literature, in combination with allele frequency data from public databases where available, was not sufficient to rule this variant in or out of causing disease. Therefore, this variant is classified as a variant of unknown significance.

Literature cited by the submitters: PubMed 26060819 (cited by Labcorp Genetics (formerly Invitae), Labcorp and Illumina Laboratory Services, Illumina).

NM_000416.3(IFNGR1):c.664C>T (p.His222Tyr)

Gene: IFNGR1 (interferon gamma receptor 1; minus strand). Cytogenetic location: 6q23.3.
Variant type: single nucleotide variant.
Coding change: c.664C>T on transcript NM_000416.3 (MANE Select); coding-DNA position 664, C replaced by T.
Protein change: p.His222Tyr; replaces histidine 222 with tyrosine.
Molecular consequence: missense variant.
Genome position (GRCh38, 1-based): chr6:137,203,568, G>A on the plus strand (C>T on the coding strand, the complement: IFNGR1 is on the minus strand). VCF-style: chr6-137203568-G-A. GRCh37 (hg19) VCF-style: chr6-137524705-G-A.
Other names: c.634C>T, p.His212Tyr (NM_001363526.1); c.541C>T, p.His181Tyr (NM_001363527.1); short protein forms H181Y, H212Y, H222Y.
Identifiers: ClinVar variation 661761 (VCV000661761.10), dbSNP rs148469894, ClinGen allele CA4018908.
Genomic context (GRCh38, chr6:137,203,568, plus strand): 5'-TGCTATTGAAAATGGTAATACAAACTTCTTTTGACTTTTCAGTTGTAACACCCCACACAT[G>A]TAAGACTCCTTCTGCTGAAACACAGTACTGAGAATTCAGTGAGGATACTGGAATCGCTAA-3'
Protein context (NP_000407.1, residues 212-232): QYCVSAEGVL[His222Tyr]VWGVTTEKSK